The following is an entry in ClinVar:

NM_000293.3(PHKB):c.31G>A (p.Val11Met)

Genes: PHKB (phosphorylase kinase regulatory subunit beta; plus strand), LOC130058947 (ATAC-STARR-seq lymphoblastoid silent region 7451; plus strand). Cytogenetic location: 16q12.1.
Variant type: single nucleotide variant.
Coding change: c.31G>A on transcript NM_000293.3 (MANE Select); coding-DNA position 31, G replaced by A.
Protein change: p.Val11Met; replaces valine 11 with methionine.
Molecular consequence: missense variant. On other transcripts: 5 prime UTR variant (1).
Genome position (GRCh38, 1-based): chr16:47,461,381, G>A. VCF-style: chr16-47461381-G-A. GRCh37 (hg19) VCF-style: chr16-47495292-G-A.
Other names: c.-103G>A (NM_001031835.3); c.31G>A, p.Val11Met (NM_001363837.1); short protein forms V11M.
Identifiers: ClinVar variation 1436858 (VCV001436858.3), dbSNP rs1217081596, ClinGen allele CA396102515.

ClinVar aggregate classification (germline): Uncertain significance (1 of 4 stars; one submission).

Conditions:
Glycogen storage disease IXb (GSD9B). Also called: GLYCOGENOSIS OF LIVER AND MUSCLE, AUTOSOMAL RECESSIVE; GSD IXb; PHOSPHORYLASE KINASE DEFICIENCY OF LIVER AND MUSCLE, AUTOSOMAL RECESSIVE. Identifiers: Orphanet 79240, MedGen C0543514, MONDO:0009868, OMIM 261750.

Allele frequency attached by ClinVar (database versions not stated): gnomAD exomes below 0.00001; gnomAD 0.00001; TOPMed 0.00001.
gnomAD v4.1: 4 of 1,612,742 alleles (0.00025%); highest among the groups gnomAD compares: Admixed American, 0.0033%; no homozygotes.

Submission:

Labcorp Genetics (formerly Invitae), Labcorp
Classification: Uncertain significance for Glycogen storage disease IXb. Last evaluated: 2021-09-09. Review status: criteria provided, single submitter. Criteria: Invitae Variant Classification Sherloc (09022015). Collection method: clinical testing. Allele origin: germline.
Comment: This sequence change replaces valine with methionine at codon 11 of the PHKB protein (p.Val11Met). The valine residue is weakly conserved and there is a small physicochemical difference between valine and methionine. This variant is not present in population databases (ExAC no frequency). This variant has not been reported in the literature in individuals affected with PHKB-related conditions. Algorithms developed to predict the effect of missense changes on protein structure and function (SIFT, PolyPhen-2, Align-GVGD) all suggest that this variant is likely to be tolerated. In summary, the available evidence is currently insufficient to determine the role of this variant in disease. Therefore, it has been classified as a Variant of Uncertain Significance.